The following is an entry in ClinVar:

ClinVar aggregate classification (germline): Uncertain significance (1 of 4 stars; one submission).

gnomAD v4.1: 40 of 1,614,072 alleles (0.0025%); highest among the groups gnomAD compares: Non-Finnish European, 0.00042%; 1 homozygote.

Submission:

Labcorp Genetics (formerly Invitae), Labcorp
Classification: Uncertain significance. Last evaluated: 2025-11-21. Review status: criteria provided, single submitter. Criteria: Invitae Variant Classification Sherloc (09022015). Collection method: clinical testing. Allele origin: germline.
Comment: This sequence change replaces leucine, which is neutral and non-polar, with valine, which is neutral and non-polar, at codon 329 of the APOA4 protein (p.Leu329Val). This variant is present in population databases (rs755486311, gnomAD 0.1%), and has an allele count higher than expected for a pathogenic variant. This variant has not been reported in the literature in individuals affected with APOA4-related conditions. Invitae Evidence Modeling of protein sequence and biophysical properties (such as structural, functional, and spatial information, amino acid conservation, physicochemical variation, residue mobility, and thermodynamic stability) has been performed for this missense variant. However, the output from this modeling did not meet the statistical confidence thresholds required to predict the impact of this variant on APOA4 protein function. In summary, the available evidence is currently insufficient to determine the role of this variant in disease. Therefore, it has been classified as a Variant of Uncertain Significance.

NM_000482.4(APOA4):c.985C>G (p.Leu329Val)

Gene: APOA4 (apolipoprotein A4; minus strand). Cytogenetic location: 11q23.3.
Variant type: single nucleotide variant.
Coding change: c.985C>G on transcript NM_000482.4 (MANE Select); coding-DNA position 985, C replaced by G.
Protein change: p.Leu329Val; replaces leucine 329 with valine.
Molecular consequence: missense variant.
Genome position (GRCh38, 1-based): chr11:116,821,073, G>C on the plus strand (C>G on the coding strand, the complement: APOA4 is on the minus strand). VCF-style: chr11-116821073-G-C. GRCh37 (hg19) VCF-style: chr11-116691789-G-C.
Other names: short protein forms L329V.
Identifiers: ClinVar variation 4693666 (VCV004693666.1).
Genomic context (GRCh38, chr11:116,821,073, plus strand): 5'-CCCTCAGGTCCTTCTCCAGGAAGCTCAAGTGGCCTTCCACGTCCCCCGCATGGGGGCCCA[G>C]TTTCTGCCTGAGCTGTTCCATCTGCTGCACCAGGGCTTTGTTGAAGTTTTCCCCGTAGGG-3'
Protein context (NP_000473.2, residues 319-339): VQQMEQLRQK[Leu329Val]GPHAGDVEGH